The following is an entry in ClinVar:

NM_002474.3(MYH11):c.269T>C (p.Met90Thr)

Gene: MYH11 (myosin heavy chain 11; minus strand). Cytogenetic location: 16p13.11.
Variant type: single nucleotide variant.
Coding change: c.269T>C on transcript NM_002474.3 (MANE Select); coding-DNA position 269, T replaced by C.
Protein change: p.Met90Thr; replaces methionine 90 with threonine.
Molecular consequence: missense variant.
Genome position (GRCh38, 1-based): chr16:15,837,984, A>G on the plus strand (T>C on the coding strand, the complement: MYH11 is on the minus strand). VCF-style: chr16-15837984-A-G. GRCh37 (hg19) VCF-style: chr16-15931841-A-G.
Other names: c.269T>C (NM_002474.2); c.269T>C, p.Met90Thr (NM_001040113.2, NM_001040114.2, NM_022844.3); short protein forms M90T.
Identifiers: ClinVar variation 4756980 (VCV004756980.2).

ClinVar aggregate classification (germline): Uncertain significance. Review status: criteria provided, multiple submitters, no conflicts (2 of 4 stars). 2 submissions from 2 submitters: Uncertain significance (2). Last evaluated 2026-07-01.

Conditions:
Familial thoracic aortic aneurysm and aortic dissection (TAAD). Also called: Thoracic aortic aneurysms and dissections. Identifiers: Orphanet 91387, MedGen C4707243, MONDO:0019625.

Submissions (2):

Ambry Genetics
Classification: Uncertain significance for Familial thoracic aortic aneurysm and aortic dissection. Last evaluated: 2026-07-01. Review status: criteria provided, single submitter. Criteria: Ambry Variant Classification Scheme 2023. Collection method: clinical testing. Allele origin: germline.
Comment: The p.M90T variant (also known as c.269T>C), located in coding exon 1 of the MYH11 gene, results from a T to C substitution at nucleotide position 269. The methionine at codon 90 is replaced by threonine, an amino acid with similar properties. This amino acid position is conserved. In addition, this alteration is predicted to be deleterious by in silico analysis. Based on the available evidence, the clinical significance of this variant remains unclear.

Color Diagnostics, LLC DBA Color Health
Classification: Uncertain significance for Familial thoracic aortic aneurysm and aortic dissection. Last evaluated: 2025-06-23. Review status: criteria provided, single submitter. Criteria: ACMG Guidelines, 2015. Collection method: clinical testing. Allele origin: germline.
Comment: This missense variant replaces methionine with threonine at codon 90 of the MYH11 protein. Computational prediction suggests that this variant may have deleterious impact on protein structure and function. To our knowledge, functional studies have not been reported for this variant. This variant has not been reported in individuals affected with MYH11-related disorders in the literature. This variant has not been identified in the general population by the Genome Aggregation Database (gnomAD). The available evidence is insufficient to determine the role of this variant in disease conclusively. Therefore, this variant is classified as a Variant of Uncertain Significance.